The following is an entry in ClinVar:

ClinVar aggregate classification (germline): Pathogenic/Likely pathogenic. Review status: criteria provided, multiple submitters, no conflicts (2 of 4 stars). 2 submissions from 2 submitters: Pathogenic (1); Likely pathogenic (1). Last evaluated 2020-01-24.

Conditions:
Familial adenomatous polyposis 1 (FAP1). Also called: FAMILIAL ADENOMATOUS POLYPOSIS 1, ATTENUATED; POLYPOSIS, ADENOMATOUS INTESTINAL. Identifiers: MedGen C2713442, MONDO:0021056, OMIM 175100. Disease mechanism: loss of function.

Submissions (2):

Labcorp Genetics (formerly Invitae), Labcorp
Classification: Pathogenic for Familial adenomatous polyposis 1. Last evaluated: 2020-01-24. Review status: criteria provided, single submitter. Criteria: Invitae Variant Classification Sherloc (09022015). Collection method: clinical testing. Allele origin: germline.
Comment: A different truncation (p.Tyr2645Lysfs*14) that lies downstream of this variant has been determined to be pathogenic (PMID: 9824584, 1316610, 27081525, 8381579, 22135120, Invitae). This suggests that deletion of this region of the APC protein is causative of disease. For these reasons, this variant has been classified as Pathogenic. This variant is expected to disrupt the EB1 and HDLG binding sites, which mediate interactions with the cytoskeleton (PMID: 15311282, 17293347). While functional studies have not been performed to directly test the effect on APC protein function, this suggests that disruption of the C-terminal portion of the protein is functionally important. This variant has not been reported in the literature in individuals with APC-related conditions. ClinVar contains an entry for this variant (Variation ID: 265551). This variant is not present in population databases (ExAC no frequency). This sequence change results in a premature translational stop signal in the APC gene (p.Ser1190*). While this is not anticipated to result in nonsense mediated decay, it is expected to disrupt the last 1654 amino acids of the APC protein.

GeneDx
Classification: Likely pathogenic. Last evaluated: 2016-04-18. Review status: criteria provided, single submitter. Criteria: GeneDx Variant Classification (06012015). Collection method: clinical testing. Allele origin: germline. Affected: yes.
Comment: This variant is denoted APC c.3569C>A at the cDNA level and p.Ser1190Ter (S1190X) at the protein level. The substitution creates a nonsense variant, which changes a Serine to a premature stop codon (TCA>TAA), and is predicted to cause loss of normal protein function through protein truncation. Even though this variant occurs in the last exon, and nonsense-mediated decay is not expected to occur, it is significant since the last 1653 amino acids are no longer translated. Furthermore, the truncation would disrupt several functional domains and binding motifs (Azzopardi 2008, UniProt). This variant has been reported in at least one individual with FAP (Segditsas 2008) and is considered likely pathogenic.

Literature cited by the submitters: PubMed 9824584 (cited by Labcorp Genetics (formerly Invitae), Labcorp); PubMed 1316610 (cited by Labcorp Genetics (formerly Invitae), Labcorp); PubMed 27081525 (cited by Labcorp Genetics (formerly Invitae), Labcorp); PubMed 8381579 (cited by Labcorp Genetics (formerly Invitae), Labcorp); PubMed 22135120 (cited by Labcorp Genetics (formerly Invitae), Labcorp); PubMed 15311282 (cited by Labcorp Genetics (formerly Invitae), Labcorp); PubMed 17293347 (cited by Labcorp Genetics (formerly Invitae), Labcorp).

NM_000038.6(APC):c.3569C>A (p.Ser1190Ter)

Gene: APC (APC regulator of Wnt signaling pathway; plus strand). Cytogenetic location: 5q22.2.
Variant type: single nucleotide variant.
Coding change: c.3569C>A on transcript NM_000038.6 (MANE Select); coding-DNA position 3569, C replaced by A.
Protein change: p.Ser1190Ter; replaces serine 1190 with a stop codon.
Molecular consequence: nonsense.
Genome position (GRCh38, 1-based): chr5:112,839,163, C>A. VCF-style: chr5-112839163-C-A. GRCh37 (hg19) VCF-style: chr5-112174860-C-A.
Other names: c.3569C>A, p.Ser1190Ter (NM_001127510.3, NM_001354895.2); c.3515C>A, p.Ser1172Ter (NM_001127511.3); c.3623C>A, p.Ser1208Ter (NM_001354896.2); c.3599C>A, p.Ser1200Ter (NM_001354897.2); c.3494C>A, p.Ser1165Ter (NM_001354898.2); c.3485C>A, p.Ser1162Ter (NM_001354899.2); c.3446C>A, p.Ser1149Ter (NM_001354900.2); c.3392C>A, p.Ser1131Ter (NM_001354901.2); and 5 more; short protein forms S1172*, S1190*, S1064*, S1099*, S1149*, S1030*, S1165*, S1089*.
Identifiers: ClinVar variation 265551 (VCV000265551.50), dbSNP rs886039618, ClinGen allele CA10588384.